The following is an entry in ClinVar:

NM_020964.3(EPG5):c.5329G>A (p.Ala1777Thr)

Gene: EPG5 (ectopic P-granules 5 autophagy tethering factor; minus strand). Cytogenetic location: 18q12.3.
Variant type: single nucleotide variant.
Coding change: c.5329G>A on transcript NM_020964.3 (MANE Select); coding-DNA position 5329, G replaced by A.
Protein change: p.Ala1777Thr; replaces alanine 1777 with threonine.
Molecular consequence: missense variant.
Genome position (GRCh38, 1-based): chr18:45,882,463, C>T on the plus strand (G>A on the coding strand, the complement: EPG5 is on the minus strand). VCF-style: chr18-45882463-C-T. GRCh37 (hg19) VCF-style: chr18-43462428-C-T.
Other names: c.5329G>A, p.Ala1777Thr (NM_001410858.1, NM_001410859.1); short protein forms A1777T.
Identifiers: ClinVar variation 2178142 (VCV002178142.1), dbSNP rs777063993, ClinGen allele CA8948606.

ClinVar aggregate classification (germline): Uncertain significance (1 of 4 stars; one submission).

Conditions:
Vici syndrome (VICIS). Identifiers: Orphanet 1493, MedGen C1855772, MONDO:0009452, OMIM 242840.

Allele frequency attached by ClinVar (database versions not stated): ExAC 0.00002; gnomAD 0.00003; TOPMed 0.00003.
gnomAD v4.1: 32 of 1,613,200 alleles (0.002%); highest among the groups gnomAD compares: South Asian, 0.012%; no homozygotes.

Submission:

Labcorp Genetics (formerly Invitae), Labcorp
Classification: Uncertain significance for Vici syndrome. Last evaluated: 2022-06-21. Review status: criteria provided, single submitter. Criteria: Invitae Variant Classification Sherloc (09022015). Collection method: clinical testing. Allele origin: germline.
Comment: This sequence change replaces alanine, which is neutral and non-polar, with threonine, which is neutral and polar, at codon 1777 of the EPG5 protein (p.Ala1777Thr). This variant is present in population databases (rs777063993, gnomAD 0.01%). This variant has not been reported in the literature in individuals affected with EPG5-related conditions. Algorithms developed to predict the effect of missense changes on protein structure and function output the following: SIFT: "Tolerated"; PolyPhen-2: "Benign"; Align-GVGD: "Class C0". The threonine amino acid residue is found in multiple mammalian species, which suggests that this missense change does not adversely affect protein function. In summary, the available evidence is currently insufficient to determine the role of this variant in disease. Therefore, it has been classified as a Variant of Uncertain Significance.